The following is an entry in ClinVar:

ClinVar aggregate classification (germline): Benign/Likely benign. Review status: criteria provided, multiple submitters, no conflicts (2 of 4 stars). 5 submissions from 5 submitters: Benign (1); Likely benign (3). 1 of the submissions does not count toward it. Last evaluated 2025-12-23.

Conditions:
KMT2D-related disorder. Also called: KMT2D-Related Disorders.
Kabuki syndrome. Also called: NIIKAWA-KUROKI SYNDROME; Kabuki make-up syndrome. Identifiers: Orphanet 2322, MedGen C0796004, MONDO:0016512.

Allele frequency attached by ClinVar (database versions not stated): gnomAD exomes 0.00013 and 0.00039; ESP Exome Variant Server 0.00016; gnomAD 0.00027 and 0.00029; ExAC 0.00030; TOPMed 0.00035.
gnomAD v4.1: 254 of 1,613,858 alleles (0.016%); highest among the groups gnomAD compares: Admixed American, 0.11%; 4 homozygotes.

Submissions (5):

Labcorp Genetics (formerly Invitae), Labcorp
Classification: Likely benign for Kabuki syndrome. Last evaluated: 2025-12-23. Review status: criteria provided, single submitter. Criteria: Invitae Variant Classification Sherloc (09022015). Collection method: clinical testing. Allele origin: germline.

Laboratory of Genetics, Children's Clinical University Hospital Latvia
Classification: Likely benign. Last evaluated: 2025-02-16. Review status: criteria provided, single submitter. Criteria: ACMG Guidelines, 2015. Collection method: clinical testing. Allele origin: germline. Affected: yes.

Blueprint Genetics
Classification: Likely benign. Last evaluated: 2024-02-09. Review status: criteria provided, single submitter. Criteria: ACMG Guidelines, 2015. Collection method: clinical testing. Allele origin: germline.

GeneDx
Classification: Benign. Last evaluated: 2019-07-17. Review status: criteria provided, single submitter. Criteria: GeneDx Variant Classification Process June 2021. Collection method: clinical testing. Allele origin: germline. Affected: yes.
Comment: This variant is associated with the following publications: (PMID: 30459467)

PreventionGenetics, part of Exact Sciences
Classification: Likely benign for KMT2D-related condition. Last evaluated: 2019-08-27. Review status: no assertion criteria provided. Collection method: clinical testing. Allele origin: germline. Not counted in ClinVar's aggregate classification.
Comment: This variant is classified as likely benign based on ACMG/AMP sequence variant interpretation guidelines (Richards et al. 2015 PMID: 25741868, with internal and published modifications).

NM_003482.4(KMT2D):c.15019C>T (p.Arg5007Trp)

Gene: KMT2D (lysine methyltransferase 2D; minus strand). Cytogenetic location: 12q13.12.
Variant type: single nucleotide variant.
Coding change: c.15019C>T on transcript NM_003482.4 (MANE Select); coding-DNA position 15019, C replaced by T.
Protein change: p.Arg5007Trp; replaces arginine 5007 with tryptophan.
Molecular consequence: missense variant.
Genome position (GRCh38, 1-based): chr12:49,026,947, G>A on the plus strand (C>T on the coding strand, the complement: KMT2D is on the minus strand). VCF-style: chr12-49026947-G-A. GRCh37 (hg19) VCF-style: chr12-49420730-G-A.
Other names: short protein forms R5007W.
Identifiers: ClinVar variation 706633 (VCV000706633.15), dbSNP rs201855029, ClinGen allele CA6545618.